The following is an entry in ClinVar:

ClinVar aggregate classification (germline): Uncertain significance (1 of 4 stars; one submission).

Conditions:
Werner syndrome (WRN). Identifiers: Orphanet 902, MedGen C0043119, MONDO:0010196, OMIM 277700.

Allele frequency attached by ClinVar (database versions not stated): gnomAD exomes below 0.00001; ExAC 0.00001; gnomAD 0.00001; TOPMed 0.00002.
gnomAD v4.1: 1 of 1,590,700 alleles (0.000063%); highest among the groups gnomAD compares: African/African-American, 0.0013%; no homozygotes.

Submission:

Labcorp Genetics (formerly Invitae), Labcorp
Classification: Uncertain significance for Werner syndrome. Last evaluated: 2023-07-28. Review status: criteria provided, single submitter. Criteria: Invitae Variant Classification Sherloc (09022015). Collection method: clinical testing. Allele origin: germline.
Comment: This sequence change replaces lysine, which is basic and polar, with asparagine, which is neutral and polar, at codon 1117 of the WRN protein (p.Lys1117Asn). This variant is present in population databases (rs774886450, gnomAD 0.007%). In summary, the available evidence is currently insufficient to determine the role of this variant in disease. Therefore, it has been classified as a Variant of Uncertain Significance. Algorithms developed to predict the effect of sequence changes on RNA splicing suggest that this variant may disrupt the consensus splice site. Algorithms developed to predict the effect of missense changes on protein structure and function output the following: SIFT: "Not Available"; PolyPhen-2: "Benign"; Align-GVGD: "Not Available". The asparagine amino acid residue is found in multiple mammalian species, which suggests that this missense change does not adversely affect protein function. ClinVar contains an entry for this variant (Variation ID: 955596). This variant has not been reported in the literature in individuals affected with WRN-related conditions.

NM_000553.6(WRN):c.3351G>T (p.Lys1117Asn)

Gene: WRN (WRN RecQ like helicase; plus strand). Cytogenetic location: 8p12.
Variant type: single nucleotide variant.
Coding change: c.3351G>T on transcript NM_000553.6 (MANE Select); coding-DNA position 3351, G replaced by T.
Protein change: p.Lys1117Asn; replaces lysine 1117 with asparagine.
Molecular consequence: missense variant.
Genome position (GRCh38, 1-based): chr8:31,143,591, G>T. VCF-style: chr8-31143591-G-T. GRCh37 (hg19) VCF-style: chr8-31001107-G-T.
Other names: short protein forms K1117N.
Identifiers: ClinVar variation 955596 (VCV000955596.5), dbSNP rs774886450, ClinGen allele CA4705023.